The following is an entry in ClinVar:

ClinVar aggregate classification (germline): Uncertain significance (1 of 4 stars; one submission).

Conditions:
Primary familial hypertrophic cardiomyopathy (HCM). Identifiers: Orphanet 99739, MedGen C0949658, MeSH D024741, MONDO:0024573. Inheritance: Various modes of inheritance.
Dilated cardiomyopathy 1AA (CMD1AA). Also called: CARDIOMYOPATHY, DILATED, 1AA, WITH OR WITHOUT LEFT VENTRICULAR NONCOMPACTION; CARDIOMYOPATHY, FAMILIAL HYPERTROPHIC, 23, WITH OR WITHOUT LEFT VENTRICULAR NONCOMPACTION; Cardiomyopathy, dilated, 1AA, with or without LVNC. Identifiers: Orphanet 154, MedGen C2677338, MONDO:0012808, OMIM 612158.

Allele frequency attached by ClinVar (database versions not stated): gnomAD exomes below 0.00001.
gnomAD v4.1: 1 of 1,613,938 alleles (0.000062%); highest among the groups gnomAD compares: Non-Finnish European, 0.000085%; no homozygotes.

Submission:

Labcorp Genetics (formerly Invitae), Labcorp
Classification: Uncertain significance for Primary familial hypertrophic cardiomyopathy; Dilated cardiomyopathy 1AA. Last evaluated: 2023-07-28. Review status: criteria provided, single submitter. Criteria: Invitae Variant Classification Sherloc (09022015). Collection method: clinical testing. Allele origin: germline.
Comment: Variants that disrupt the consensus splice site are a relatively common cause of aberrant splicing (PMID: 17576681, 9536098). Algorithms developed to predict the effect of sequence changes on RNA splicing suggest that this variant may disrupt the consensus splice site. In summary, the available evidence is currently insufficient to determine the role of this variant in disease. Therefore, it has been classified as a Variant of Uncertain Significance. This variant has not been reported in the literature in individuals affected with ACTN2-related conditions. This variant is not present in population databases (gnomAD no frequency). This sequence change falls in intron 10 of the ACTN2 gene. It does not directly change the encoded amino acid sequence of the ACTN2 protein. It affects a nucleotide within the consensus splice site.

Literature cited by the submitters: PubMed 17576681; PubMed 9536098.

NM_001103.4(ACTN2):c.1107+5G>A

Gene: ACTN2 (actinin alpha 2; plus strand). Cytogenetic location: 1q43.
Variant type: single nucleotide variant.
Coding change: c.1107+5G>A on transcript NM_001103.4 (MANE Select); 5 bases into the intron after coding-DNA position 1107, G replaced by A.
Molecular consequence: intron variant.
Genome position (GRCh38, 1-based): chr1:236,739,537, G>A. VCF-style: chr1-236739537-G-A. GRCh37 (hg19) VCF-style: chr1-236902837-G-A.
Other names: c.1107+5G>A (NM_001278343.2).
Identifiers: ClinVar variation 2950387 (VCV002950387.3), dbSNP rs2102922727, ClinGen allele CA915940696.